The following is an entry in ClinVar:

NM_003322.6(TULP1):c.1261A>C (p.Met421Leu)

Gene: TULP1 (TUB like protein 1; minus strand). Cytogenetic location: 6p21.31.
Variant type: single nucleotide variant.
Coding change: c.1261A>C on transcript NM_003322.6 (MANE Select); coding-DNA position 1261, A replaced by C.
Protein change: p.Met421Leu; replaces methionine 421 with leucine.
Molecular consequence: missense variant.
Genome position (GRCh38, 1-based): chr6:35,503,621, T>G on the plus strand (A>C on the coding strand, the complement: TULP1 is on the minus strand). VCF-style: chr6-35503621-T-G. GRCh37 (hg19) VCF-style: chr6-35471398-T-G.
Other names: c.1102A>C, p.Met368Leu (NM_001289395.2); short protein forms M421L, M368L.
Identifiers: ClinVar variation 596804 (VCV000596804.8), dbSNP rs771407316, ClinGen allele CA3772609.

ClinVar aggregate classification (germline): Uncertain significance. Review status: criteria provided, multiple submitters, no conflicts (2 of 4 stars). 3 submissions from 3 submitters: Uncertain significance (3). Last evaluated 2024-03-13.

Allele frequency attached by ClinVar (database versions not stated): ExAC below 0.00001; gnomAD exomes 0.00004; TOPMed 0.00006.
gnomAD v4.1: 104 of 1,599,306 alleles (0.0065%); highest among the groups gnomAD compares: Non-Finnish European, 0.0078%; no homozygotes.

Submissions (3):

Blueprint Genetics
Classification: Uncertain significance. Last evaluated: 2024-03-13. Review status: criteria provided, single submitter. Criteria: ACMG Guidelines, 2015. Collection method: clinical testing. Allele origin: germline.

Labcorp Genetics (formerly Invitae), Labcorp
Classification: Uncertain significance. Last evaluated: 2022-07-19. Review status: criteria provided, single submitter. Criteria: Invitae Variant Classification Sherloc (09022015). Collection method: clinical testing. Allele origin: germline.
Comment: This sequence change replaces methionine, which is neutral and non-polar, with leucine, which is neutral and non-polar, at codon 421 of the TULP1 protein (p.Met421Leu). This variant is present in population databases (rs771407316, gnomAD 0.009%). This variant has not been reported in the literature in individuals affected with TULP1-related conditions. ClinVar contains an entry for this variant (Variation ID: 596804). Algorithms developed to predict the effect of missense changes on protein structure and function are either unavailable or do not agree on the potential impact of this missense change (SIFT: "Not Available"; PolyPhen-2: "Probably Damaging"; Align-GVGD: "Not Available"). In summary, the available evidence is currently insufficient to determine the role of this variant in disease. Therefore, it has been classified as a Variant of Uncertain Significance.

Eurofins Ntd Llc (ga)
Classification: Uncertain significance. Last evaluated: 2018-04-24. Review status: criteria provided, single submitter. Criteria: EGL ClinVar v180209 classification definitions. Collection method: clinical testing. Allele origin: germline. Observed: 1 variant allele, 1 heterozygote.